The following is an entry in ClinVar:

ClinVar aggregate classification (germline): Uncertain significance (1 of 4 stars; one submission).

Conditions:
Hyperaldosteronism, familial, type IV (HALD4). Also called: FH IV; ALDOSTERONISM, PRIMARY, AND HYPERTENSION. Identifiers: Orphanet 642671, MedGen C4310756, MONDO:0014875, OMIM 617027.
Idiopathic generalized epilepsy. Also called: Generalised epilepsy; EIG. Identifiers: MedGen C0270850, MONDO:0005579, OMIM 600669.

Allele frequency attached by ClinVar (database versions not stated): gnomAD exomes below 0.00001.
gnomAD v4.1: 1 of 1,612,158 alleles (0.000062%); highest among the groups gnomAD compares: Non-Finnish European, 0.000085%; no homozygotes.

Submission:

Labcorp Genetics (formerly Invitae), Labcorp
Classification: Uncertain significance for Idiopathic generalized epilepsy; Hyperaldosteronism, familial, type IV. Last evaluated: 2022-10-13. Review status: criteria provided, single submitter. Criteria: Invitae Variant Classification Sherloc (09022015). Collection method: clinical testing. Allele origin: germline.
Comment: In summary, the available evidence is currently insufficient to determine the role of this variant in disease. Therefore, it has been classified as a Variant of Uncertain Significance. Advanced modeling of protein sequence and biophysical properties (such as structural, functional, and spatial information, amino acid conservation, physicochemical variation, residue mobility, and thermodynamic stability) performed at Invitae indicates that this missense variant is not expected to disrupt CACNA1H protein function. ClinVar contains an entry for this variant (Variation ID: 1387589). This variant has not been reported in the literature in individuals affected with CACNA1H-related conditions. This variant is not present in population databases (gnomAD no frequency). This sequence change replaces asparagine, which is neutral and polar, with aspartic acid, which is acidic and polar, at codon 345 of the CACNA1H protein (p.Asn345Asp).

NM_021098.3(CACNA1H):c.1033A>G (p.Asn345Asp)

Gene: CACNA1H (calcium voltage-gated channel subunit alpha1 H; plus strand). Cytogenetic location: 16p13.3.
Variant type: single nucleotide variant.
Coding change: c.1033A>G on transcript NM_021098.3 (MANE Select); coding-DNA position 1033, A replaced by G.
Protein change: p.Asn345Asp; replaces asparagine 345 with aspartic acid.
Molecular consequence: missense variant.
Genome position (GRCh38, 1-based): chr16:1,200,485, A>G. VCF-style: chr16-1200485-A-G. GRCh37 (hg19) VCF-style: chr16-1250485-A-G.
Other names: c.1033A>G, p.Asn345Asp (NM_001005407.2); short protein forms N345D.
Identifiers: ClinVar variation 1387589 (VCV001387589.8), dbSNP rs2141243964, ClinGen allele CA394157731.
Genomic context (GRCh38, chr16:1,200,485, plus strand): 5'-CCGCAGGCCGAGGGGGTGGGCGCTGCACGCAACGCCTGCATCAACTGGAACCAGTACTAC[A>G]ACGTGTGCCGCTCGGGTGACTCCAACCCCCACAACGGTGCCATCAACTTCGACAACATCG-3'
Protein context (NP_066921.2, residues 335-355): NACINWNQYY[Asn345Asp]VCRSGDSNPH